The following is an entry in ClinVar:

NM_000038.6(APC):c.800del (p.Gly267fs)

Gene: APC (APC regulator of Wnt signaling pathway; plus strand). Cytogenetic location: 5q22.2.
Variant type: Deletion.
Coding change: c.800del on transcript NM_000038.6 (MANE Select); coding-DNA position 800, one base deleted (G; older notation c.800delG).
Protein change: p.Gly267fs; shifts the reading frame from glycine 267.
Molecular consequence: frameshift variant. On other transcripts: 5 prime UTR variant (1).
Genome position (GRCh38, 1-based): chr5:112,801,349, G deleted; the last of 3 consecutive G bases (chr5:112,801,347-112,801,349); deleting any one gives the same sequence. VCF-style (leftmost placement, unchanged base first): chr5-112801346-TG-T. GRCh37 (hg19) VCF-style: chr5-112137043-TG-T.
Other names: c.800del, p.Gly267fs (NM_001354895.2, NM_001354896.2, NM_001127510.3 and 1 more transcripts); c.830del, p.Gly277fs (NM_001354897.2, NM_001354902.2); c.746del, p.Gly249fs (NM_001127511.3); c.725del, p.Gly242fs (NM_001354898.2, NM_001354904.2); c.716del, p.Gly239fs (NM_001354899.2); c.623del, p.Gly208fs (NM_001354900.2, NM_001354901.2, NM_001354905.2); c.-236del (NM_001354906.2); c.800del (NM_000038.5); short protein forms G208fs, G239fs, G242fs, G249fs, G267fs, G277fs.
Identifiers: ClinVar variation 218008 (VCV000218008.17), dbSNP rs863225372, ClinGen allele CA279748.

ClinVar aggregate classification (germline): Pathogenic. Review status: criteria provided, multiple submitters, no conflicts (2 of 4 stars). 3 submissions from 3 submitters: Pathogenic (2). 1 of the submissions does not count toward it. Last evaluated 2023-04-27.

Conditions:
Familial adenomatous polyposis 1 (FAP1). Also called: FAMILIAL ADENOMATOUS POLYPOSIS 1, ATTENUATED; POLYPOSIS, ADENOMATOUS INTESTINAL. Identifiers: MedGen C2713442, MONDO:0021056, OMIM 175100. Disease mechanism: loss of function.

Submissions (3):

Myriad Genetics, Inc.
Classification: Pathogenic for Familial adenomatous polyposis 1. Last evaluated: 2023-04-27. Review status: criteria provided, single submitter. Criteria: Myriad Autosomal Dominant, Autosomal Recessive and X-Linked Classification Criteria (2023). Collection method: clinical testing. Allele origin: unknown.
Comment: This variant is considered pathogenic. This variant creates a frameshift predicted to result in premature protein truncation.

Labcorp Genetics (formerly Invitae), Labcorp
Classification: Pathogenic for Familial adenomatous polyposis 1. Last evaluated: 2022-04-18. Review status: criteria provided, single submitter. Criteria: Invitae Variant Classification Sherloc (09022015). Collection method: clinical testing. Allele origin: germline.
Comment: For these reasons, this variant has been classified as Pathogenic. ClinVar contains an entry for this variant (Variation ID: 218008). This variant is also known as c.798delG. This premature translational stop signal has been observed in individual(s) with colorectal cancer (PMID: 26787237). This variant is not present in population databases (gnomAD no frequency). This sequence change creates a premature translational stop signal (p.Gly267Glufs*26) in the APC gene. It is expected to result in an absent or disrupted protein product. Loss-of-function variants in APC are known to be pathogenic (PMID: 17963004, 20685668).

Mayo Clinic Laboratories, Mayo Clinic
Classification: Likely pathogenic. Review status: no assertion criteria provided. Collection method: research. Allele origin: unknown. Observed: 1 variant allele. Not counted in ClinVar's aggregate classification.

Literature cited by the submitters: PubMed 26787237 (cited by Labcorp Genetics (formerly Invitae), Labcorp); PubMed 17963004 (cited by Labcorp Genetics (formerly Invitae), Labcorp); PubMed 20685668 (cited by Labcorp Genetics (formerly Invitae), Labcorp).